The following is an entry in ClinVar:

ClinVar aggregate classification (germline): Pathogenic. Review status: criteria provided, multiple submitters, no conflicts (2 of 4 stars). 2 submissions from 2 submitters: Pathogenic (2). Last evaluated 2023-05-09.
ClinVar aggregate classification (oncogenicity): Likely oncogenic (1 of 4 stars; one submission).

Conditions:
Hereditary cancer-predisposing syndrome. Also called: Neoplastic Syndromes, Hereditary; Tumor predisposition; Hereditary Cancer Syndrome; Hereditary neoplastic syndrome. Identifiers: Orphanet 140162, MedGen C0027672, MeSH D009386, MONDO:0015356.
Familial adenomatous polyposis 1 (FAP1). Also called: FAMILIAL ADENOMATOUS POLYPOSIS 1, ATTENUATED; POLYPOSIS, ADENOMATOUS INTESTINAL. Identifiers: MedGen C2713442, MONDO:0021056, OMIM 175100. Disease mechanism: loss of function.
Neoplasm. Also called: tumor; Neoplasms; Neoplasm (disease). Identifiers: MedGen C0027651, MeSH D009369, MONDO:0005070, HP:0002664.

Submissions (3):

Center for Genomic Medicine, Rigshospitalet, Copenhagen University Hospital
Classification: Likely oncogenic for Neoplasm. Last evaluated: 2025-03-04. Review status: criteria provided, single submitter. Criteria: ClinGen/CGC/VICC Guidelines for Oncogenicity, 2022. Collection method: clinical testing. Allele origin: somatic. Affected: yes.

Myriad Genetics, Inc.
Classification: Pathogenic for Familial adenomatous polyposis 1. Last evaluated: 2023-05-09. Review status: criteria provided, single submitter. Criteria: Myriad Autosomal Dominant, Autosomal Recessive and X-Linked Classification Criteria (2023). Collection method: clinical testing. Allele origin: unknown.
Comment: This variant is considered pathogenic. This variant creates a termination codon and is predicted to result in premature protein truncation.

Ambry Genetics
Classification: Pathogenic for Hereditary cancer-predisposing syndrome. Last evaluated: 2017-01-10. Review status: criteria provided, single submitter. Criteria: Ambry Variant Classification Scheme 2023. Collection method: clinical testing. Allele origin: germline.
Comment: The p.E1286* pathogenic mutation (also known as c.3856G>T), located in coding exon 15 of the APC gene, results from a G to T substitution at nucleotide position 3856. This changes the amino acid from a glutamic acid to a stop codon within coding exon 15. In addition to the clinical data presented in the literature, this alteration is expected to result in loss of function by premature protein truncation or nonsense-mediated mRNA decay. As such, this alteration is interpreted as a disease-causing mutation.

Literature cited by the submitters: PubMed 34352208 (cited by Center for Genomic Medicine, Rigshospitalet, Copenhagen University Hospital); PubMed 18199528 (cited by Center for Genomic Medicine, Rigshospitalet, Copenhagen University Hospital); PubMed 20223039 (cited by Ambry Genetics); PubMed 8020934 (cited by Ambry Genetics).

NM_000038.6(APC):c.3856G>T (p.Glu1286Ter)

Gene: APC (APC regulator of Wnt signaling pathway; plus strand). Cytogenetic location: 5q22.2.
Variant type: single nucleotide variant.
Coding change: c.3856G>T on transcript NM_000038.6 (MANE Select); coding-DNA position 3856, G replaced by T.
Protein change: p.Glu1286Ter; replaces glutamic acid 1286 with a stop codon.
Molecular consequence: nonsense.
Genome position (GRCh38, 1-based): chr5:112,839,450, G>T. VCF-style: chr5-112839450-G-T. GRCh37 (hg19) VCF-style: chr5-112175147-G-T.
Other names: c.3856G>T, p.Glu1286Ter (NM_001127510.3, NM_001354895.2, NM_001407450.1); c.3802G>T, p.Glu1268Ter (NM_001127511.3); c.3910G>T, p.Glu1304Ter (NM_001354896.2, NM_001407447.1, NM_001407448.1 and 1 more transcripts); c.3886G>T, p.Glu1296Ter (NM_001354897.2); c.3781G>T, p.Glu1261Ter (NM_001354898.2); c.3772G>T, p.Glu1258Ter (NM_001354899.2); c.3733G>T, p.Glu1245Ter (NM_001354900.2); c.3679G>T, p.Glu1227Ter (NM_001354901.2, NM_001407453.1); and 11 more; short protein forms E1195*, E1279*, E1126*, E1203*, E1258*, E1261*, E1268*, E1286*.
Identifiers: ClinVar variation 1735562 (VCV001735562.4), dbSNP rs2533529597, ClinGen allele CA16029793.